The following is an entry in ClinVar:

ClinVar aggregate classification (germline): Uncertain significance. Review status: criteria provided, multiple submitters, no conflicts (2 of 4 stars). 2 submissions from 2 submitters: Uncertain significance (2). Last evaluated 2024-12-09.

Conditions:
Hereditary cancer-predisposing syndrome. Also called: Tumor predisposition; Hereditary Cancer Syndrome; Neoplastic Syndromes, Hereditary; Hereditary neoplastic syndrome. Identifiers: Orphanet 140162, MedGen C0027672, MeSH D009386, MONDO:0015356.
Multiple endocrine neoplasia, type 2 (MEN2). Identifiers: Orphanet 653, MedGen C4048306, MONDO:0019003. Disease mechanism: gain of function.

Submissions (2):

Labcorp Genetics (formerly Invitae), Labcorp
Classification: Uncertain significance for Multiple endocrine neoplasia, type 2. Last evaluated: 2024-12-09. Review status: criteria provided, single submitter. Criteria: Invitae Variant Classification Sherloc (09022015). Collection method: clinical testing. Allele origin: germline.
Comment: This sequence change replaces asparagine, which is neutral and polar, with threonine, which is neutral and polar, at codon 359 of the RET protein (p.Asn359Thr). This variant is not present in population databases (gnomAD no frequency). This variant has not been reported in the literature in individuals affected with RET-related conditions. ClinVar contains an entry for this variant (Variation ID: 2733453). An algorithm developed to predict the effect of missense changes on protein structure and function (PolyPhen-2) suggests that this variant is likely to be disruptive. In summary, the available evidence is currently insufficient to determine the role of this variant in disease. Therefore, it has been classified as a Variant of Uncertain Significance.

Ambry Genetics
Classification: Uncertain significance for Hereditary cancer-predisposing syndrome. Last evaluated: 2023-12-29. Review status: criteria provided, single submitter. Criteria: Ambry Variant Classification Scheme 2023. Collection method: clinical testing. Allele origin: germline.
Comment: The p.N359T variant (also known as c.1076A>C), located in coding exon 6 of the RET gene, results from an A to C substitution at nucleotide position 1076. The asparagine at codon 359 is replaced by threonine, an amino acid with similar properties. This amino acid position is conserved. In addition, this alteration is predicted to be tolerated by in silico analysis. Since supporting evidence is limited at this time, the clinical significance of this alteration remains unclear.

NM_020975.6(RET):c.1076A>C (p.Asn359Thr)

Gene: RET (ret proto-oncogene; plus strand). Cytogenetic location: 10q11.21.
Variant type: single nucleotide variant.
Coding change: c.1076A>C on transcript NM_020975.6 (MANE Select); coding-DNA position 1076, A replaced by C.
Protein change: p.Asn359Thr; replaces asparagine 359 with threonine.
Molecular consequence: missense variant. On other transcripts: intron variant (18).
Genome position (GRCh38, 1-based): chr10:43,109,043, A>C. VCF-style: chr10-43109043-A-C. GRCh37 (hg19) VCF-style: chr10-43604491-A-C.
Other names: c.1076A>C, p.Asn359Thr (NM_000323.2, NM_001406743.1, NM_001406744.1 and 6 more transcripts); c.314A>C, p.Asn105Thr (NM_001355216.2); c.947A>C, p.Asn316Thr (NM_001406761.1, NM_001406762.1, NM_001406764.1 and 1 more transcripts); c.788A>C, p.Asn263Thr (NM_001406766.1, NM_001406767.1, NM_001406770.1); c.638A>C, p.Asn213Thr (NM_001406771.1, NM_001406773.1); c.350A>C, p.Asn117Thr (NM_001406775.1, NM_001406776.1, NM_001406777.1 and 1 more transcripts); c.86A>C, p.Asn29Thr (NM_001406784.1); c.868-2164A>C (NM_001406772.1, NM_001406769.1); and 5 more; short protein forms N29T, N117T, N105T, N213T, N316T, N359T, N263T.
Identifiers: ClinVar variation 2733453 (VCV002733453.4), dbSNP rs1204350955, ClinGen allele CA376547227.
Genomic context (GRCh38, chr10:43,109,043, plus strand): 5'-GAAGCAGCCAGAGCAGCTTGGTGGTCATTGTTGTGCCCCTACCTGCAGGGCTGGTTCTCA[A>C]CCGGAACCTCTCCATCTCGGAGAACCGCACCATGCAGCTGGCGGTGCTGGTCAATGACTC-3'
Protein context (NP_066124.1, residues 349-369): ATVHDYRLVL[Asn359Thr]RNLSISENRT